The following is an entry in ClinVar:

ClinVar aggregate classification (germline): Conflicting classifications of pathogenicity. Review status: criteria provided, conflicting classifications (1 of 4 stars). 2 submissions from 2 submitters: Uncertain significance (1); Likely benign (1). Last evaluated 2024-08-21.

Conditions:
Multiple congenital anomalies-hypotonia-seizures syndrome 1 (MCAHS1). Also called: PIGN-CDG; Congenital disorder of glycosylation due to PIGN deficiency; GLYCOSYLPHOSPHATIDYLINOSITOL BIOSYNTHESIS DEFECT 3. Identifiers: Orphanet 280633, MedGen C3279775, MONDO:0013563, OMIM 614080.
Inborn genetic diseases. Identifiers: MedGen C0950123, MeSH D030342.

Allele frequency attached by ClinVar (database versions not stated): gnomAD exomes below 0.00001; TOPMed below 0.00001.
gnomAD v4.1: 1 of 1,541,074 alleles (0.000065%); highest among the groups gnomAD compares: Non-Finnish European, 0.000088%; no homozygotes.

Submissions (2):

Ambry Genetics
Classification: Likely benign for Inborn genetic diseases. Last evaluated: 2024-08-21. Review status: criteria provided, single submitter. Criteria: Ambry Variant Classification Scheme 2023. Collection method: clinical testing. Allele origin: germline.

Labcorp Genetics (formerly Invitae), Labcorp
Classification: Uncertain significance for Multiple congenital anomalies-hypotonia-seizures syndrome 1. Last evaluated: 2021-08-28. Review status: criteria provided, single submitter. Criteria: Invitae Variant Classification Sherloc (09022015). Collection method: clinical testing. Allele origin: germline.
Comment: This sequence change replaces leucine with valine at codon 650 of the PIGN protein (p.Leu650Val). The leucine residue is moderately conserved and there is a small physicochemical difference between leucine and valine. This variant is not present in population databases (ExAC no frequency). This variant has not been reported in the literature in individuals affected with PIGN-related conditions. Algorithms developed to predict the effect of missense changes on protein structure and function (SIFT, PolyPhen-2, Align-GVGD) all suggest that this variant is likely to be tolerated. Algorithms developed to predict the effect of sequence changes on RNA splicing suggest that this variant may create or strengthen a splice site. In summary, the available evidence is currently insufficient to determine the role of this variant in disease. Therefore, it has been classified as a Variant of Uncertain Significance.

NM_176787.5(PIGN):c.1948C>G (p.Leu650Val)

Gene: PIGN (phosphatidylinositol glycan anchor biosynthesis class N; minus strand). Cytogenetic location: 18q21.33.
Variant type: single nucleotide variant.
Coding change: c.1948C>G on transcript NM_176787.5 (MANE Select); coding-DNA position 1948, C replaced by G.
Protein change: p.Leu650Val; replaces leucine 650 with valine.
Molecular consequence: missense variant.
Genome position (GRCh38, 1-based): chr18:62,102,814, G>C on the plus strand (C>G on the coding strand, the complement: PIGN is on the minus strand). VCF-style: chr18-62102814-G-C. GRCh37 (hg19) VCF-style: chr18-59770047-G-C.
Other names: c.1948C>G, p.Leu650Val (NM_012327.6); c.1948C>G (NM_176787.4); short protein forms L650V.
Identifiers: ClinVar variation 1039647 (VCV001039647.7), dbSNP rs1224775480, ClinGen allele CA402603980.